The following is an entry in ClinVar:

ClinVar aggregate classification (germline): Likely benign. Review status: criteria provided, multiple submitters, no conflicts (2 of 4 stars). 3 submissions from 3 submitters: Likely benign (2). 1 of the submissions does not count toward it. Last evaluated 2024-06-05.

Conditions:
CTNND2-related disorder. Also called: CTNND2-related condition.

Allele frequency attached by ClinVar (database versions not stated): ESP Exome Variant Server 0.00015; gnomAD 0.00025 and 0.00026; TOPMed 0.00042.
gnomAD v4.1: 133 of 1,614,170 alleles (0.0082%); highest among the groups gnomAD compares: Middle Eastern, 0.26%; no homozygotes.

Submissions (3):

Blueprint Genetics
Classification: Likely benign. Last evaluated: 2024-06-05. Review status: criteria provided, single submitter. Criteria: ACMG Guidelines, 2015. Collection method: clinical testing. Allele origin: germline.

GeneDx
Classification: Likely benign. Last evaluated: 2020-01-02. Review status: criteria provided, single submitter. Criteria: GeneDx Variant Classification Process June 2021. Collection method: clinical testing. Allele origin: germline. Affected: yes.

PreventionGenetics, part of Exact Sciences
Classification: Likely benign for CTNND2-related condition. Last evaluated: 2024-02-12. Review status: no assertion criteria provided. Collection method: clinical testing. Allele origin: germline. Not counted in ClinVar's aggregate classification.
Comment: This variant is classified as likely benign based on ACMG/AMP sequence variant interpretation guidelines (Richards et al. 2015 PMID: 25741868, with internal and published modifications).

NM_001332.4(CTNND2):c.3129C>T (p.Ile1043=)

Gene: CTNND2 (catenin delta 2; minus strand). Cytogenetic location: 5p15.2.
Variant type: single nucleotide variant.
Coding change: c.3129C>T on transcript NM_001332.4 (MANE Select); coding-DNA position 3129, C replaced by T.
Protein change: p.Ile1043=; no amino-acid change (isoleucine 1043 retained).
Molecular consequence: synonymous variant. On other transcripts: non-coding transcript variant (1).
Genome position (GRCh38, 1-based): chr5:10,992,633, G>A on the plus strand (C>T on the coding strand, the complement: CTNND2 is on the minus strand). VCF-style: chr5-10992633-G-A. GRCh37 (hg19) VCF-style: chr5-10992745-G-A.
Other names: c.3129C>T (NM_001332.3); c.2856C>T, p.Ile952= (NM_001288715.1); c.2118C>T, p.Ile706= (NM_001288716.1); c.1830C>T, p.Ile610= (NM_001288717.2); c.2193C>T, p.Ile731= (NM_001364128.2).
Identifiers: ClinVar variation 1317228 (VCV001317228.5), dbSNP rs371262927, ClinGen allele CA3200408.